The following is an entry in ClinVar:

ClinVar aggregate classification (germline): Uncertain significance. Review status: criteria provided, multiple submitters, no conflicts (2 of 4 stars). 2 submissions from 2 submitters: Uncertain significance (2). Last evaluated 2025-11-24.

Conditions:
Cardiovascular phenotype. Identifiers: MedGen CN230736.
Walker-Warburg congenital muscular dystrophy. Also called: Muscular dystrophy-dystroglycanopathy, type A; Walker-Warburg syndrome. Identifiers: Orphanet 899, MedGen C0265221, MONDO:0000171.

Submissions (2):

Ambry Genetics
Classification: Uncertain significance for Cardiovascular phenotype. Last evaluated: 2025-11-24. Review status: criteria provided, single submitter. Criteria: Ambry Variant Classification Scheme 2023. Collection method: clinical testing. Allele origin: germline.
Comment: The p.G183D variant (also known as c.548G>A), located in coding exon 1 of the FKRP gene, results from a G to A substitution at nucleotide position 548. The glycine at codon 183 is replaced by aspartic acid, an amino acid with similar properties. This amino acid position is conserved. In addition, this alteration is predicted to be tolerated by in silico analysis. Based on the available evidence, the clinical significance of this variant remains unclear.

Labcorp Genetics (formerly Invitae), Labcorp
Classification: Uncertain significance for Walker-Warburg congenital muscular dystrophy. Last evaluated: 2019-10-10. Review status: criteria provided, single submitter. Criteria: Invitae Variant Classification Sherloc (09022015). Collection method: clinical testing. Allele origin: germline.
Comment: This variant has not been reported in the literature in individuals with FKRP-related conditions. The frequency data for this variant in the population databases is considered unreliable, as metrics indicate insufficient coverage at this position in the ExAC database. This sequence change replaces glycine with aspartic acid at codon 183 of the FKRP protein (p.Gly183Asp). The glycine residue is moderately conserved and there is a moderate physicochemical difference between glycine and aspartic acid. Algorithms developed to predict the effect of missense changes on protein structure and function output the following: SIFT: "Tolerated"; PolyPhen-2: "Benign"; Align-GVGD: "Class C0". The aspartic acid amino acid residue is found in multiple mammalian species, suggesting that this missense change does not adversely affect protein function. These predictions have not been confirmed by published functional studies and their clinical significance is uncertain. In summary, the available evidence is currently insufficient to determine the role of this variant in disease. Therefore, it has been classified as a Variant of Uncertain Significance.

NM_024301.5(FKRP):c.548G>A (p.Gly183Asp)

Gene: FKRP (fukutin related protein; plus strand). Cytogenetic location: 19q13.32.
Variant type: single nucleotide variant.
Coding change: c.548G>A on transcript NM_024301.5 (MANE Select); coding-DNA position 548, G replaced by A.
Protein change: p.Gly183Asp; replaces glycine 183 with aspartic acid.
Molecular consequence: missense variant.
Genome position (GRCh38, 1-based): chr19:46,755,998, G>A. VCF-style: chr19-46755998-G-A. GRCh37 (hg19) VCF-style: chr19-47259255-G-A.
Other names: c.548G>A, p.Gly183Asp (NM_001039885.3); short protein forms G183D.
Identifiers: ClinVar variation 956829 (VCV000956829.10), dbSNP rs2054908222, ClinGen allele CA406495543.